The following is an entry in ClinVar:

ClinVar aggregate classification (germline): Likely pathogenic (1 of 4 stars; one submission).

Submission:

Labcorp Genetics (formerly Invitae), Labcorp
Classification: Likely pathogenic. Last evaluated: 2022-09-10. Review status: criteria provided, single submitter. Criteria: Invitae Variant Classification Sherloc (09022015). Collection method: clinical testing. Allele origin: germline.
Comment: In summary, the currently available evidence indicates that the variant is pathogenic, but additional data are needed to prove that conclusively. Therefore, this variant has been classified as Likely Pathogenic. Algorithms developed to predict the effect of sequence changes on RNA splicing suggest that this variant may disrupt the consensus splice site. This variant has not been reported in the literature in individuals affected with SZT2-related conditions. This variant is not present in population databases (gnomAD no frequency). This sequence change affects an acceptor splice site in intron 55 of the SZT2 gene. It is expected to disrupt RNA splicing. Variants that disrupt the donor or acceptor splice site typically lead to a loss of protein function (PMID: 16199547), and loss-of-function variants in SZT2 are known to be pathogenic (PMID: 23932106, 27248490, 28556953).

Literature cited by the submitters: PubMed 16199547; PubMed 23932106; PubMed 27248490; PubMed 28556953.

NM_001365999.1(SZT2):c.7874-1G>A

Gene: SZT2 (SZT2 subunit of KICSTOR complex; plus strand). Cytogenetic location: 1p34.2.
Variant type: single nucleotide variant.
Coding change: c.7874-1G>A on transcript NM_001365999.1 (MANE Select); the canonical splice acceptor site of the intron before coding-DNA position 7874, G replaced by A.
Molecular consequence: splice acceptor variant.
Genome position (GRCh38, 1-based): chr1:43,442,267, G>A. VCF-style: chr1-43442267-G-A. GRCh37 (hg19) VCF-style: chr1-43907938-G-A.
Other names: c.7703-1G>A (NM_015284.4).
Identifiers: ClinVar variation 2049462 (VCV002049462.4), dbSNP rs2545852780, ClinGen allele CA340037033.